The following is an entry in ClinVar:

NM_003239.5(TGFB3):c.926G>A (p.Arg309His)

Gene: TGFB3 (transforming growth factor beta 3; minus strand). Cytogenetic location: 14q24.3.
Variant type: single nucleotide variant.
Coding change: c.926G>A on transcript NM_003239.5 (MANE Select); coding-DNA position 926, G replaced by A.
Protein change: p.Arg309His; replaces arginine 309 with histidine.
Molecular consequence: missense variant.
Genome position (GRCh38, 1-based): chr14:75,963,316, C>T on the plus strand (G>A on the coding strand, the complement: TGFB3 is on the minus strand). VCF-style: chr14-75963316-C-T. GRCh37 (hg19) VCF-style: chr14-76429659-C-T.
Other names: c.926G>A, p.Arg309Gln (NM_001329938.2); c.926G>A, p.Arg309His (NM_001329939.2); short protein forms R309H, R309Q.
Identifiers: ClinVar variation 393065 (VCV000393065.11), dbSNP rs1057524768, ClinGen allele CA16607019.

ClinVar aggregate classification (germline): Conflicting classifications of pathogenicity. Review status: criteria provided, conflicting classifications (1 of 4 stars). 4 submissions from 4 submitters: Likely pathogenic (1); Uncertain significance (3). Last evaluated 2025-12-03.

Conditions:
Familial thoracic aortic aneurysm and aortic dissection (TAAD). Also called: Thoracic aortic aneurysms and dissections. Identifiers: Orphanet 91387, MedGen C4707243, MONDO:0019625.
Rienhoff syndrome. Also called: LOEYS-DIETZ SYNDROME 5. Identifiers: MedGen C3810012, MONDO:0014262, OMIM 615582.

Allele frequency attached by ClinVar (database versions not stated): gnomAD exomes below 0.00001; TOPMed 0.00001.
gnomAD v4.1: 1 of 1,614,076 alleles (0.000062%); highest among the groups gnomAD compares: Non-Finnish European, 0.000085%; no homozygotes.

Submissions (4):

Labcorp Genetics (formerly Invitae), Labcorp
Classification: Uncertain significance for Rienhoff syndrome. Last evaluated: 2025-12-03. Review status: criteria provided, single submitter. Criteria: Invitae Variant Classification Sherloc (09022015). Collection method: clinical testing. Allele origin: germline.
Comment: This sequence change replaces arginine, which is basic and polar, with histidine, which is basic and polar, at codon 309 of the TGFB3 protein (p.Arg309His). This variant also falls at the last nucleotide of exon 5, which is part of the consensus splice site for this exon. This variant is not present in population databases (gnomAD no frequency). This missense change has been observed in individual(s) with clinical features of Loeys-Dietz syndrome (PMID: 38041506; internal data). ClinVar contains an entry for this variant (Variation ID: 393065). Experimental studies and prediction algorithms are not available or were not evaluated, and the functional significance of this variant is currently unknown. Variants that disrupt the consensus splice site are a relatively common cause of aberrant splicing (PMID: 17576681, 9536098). Algorithms developed to predict the effect of sequence changes on RNA splicing suggest that this variant may disrupt the consensus splice site. In summary, the available evidence is currently insufficient to determine the role of this variant in disease. Therefore, it has been classified as a Variant of Uncertain Significance.

Variantyx, Inc.
Classification: Likely pathogenic for Rienhoff syndrome. Last evaluated: 2025-09-18. Review status: criteria provided, single submitter. Criteria: Variantyx Assertion Criteria 2022. Collection method: clinical testing. Allele origin: germline. Inheritance: Autosomal dominant inheritance. Affected: yes.
Comment: This is a nonsynonymous variant in the TGFB3 gene (OMIM: 190230). Pathogenic variants in this gene have been associated with autosomal dominant Loeys-Dietz syndrome 5. This variant has been reported in several unrelated affected individuals (PMID: 38041506) (PS4). Algorithms that predict the potential impact of sequence variants on RNA splicing suggest that this variant may disrupt normal splicing (PP3). This variant has a 0.0001% maximum allele frequency in non-founder control populations (PM2). Based on the current evidence, this variant is classified as likely pathogenic for autosomal dominant Loeys-Dietz syndrome 5.

Ambry Genetics
Classification: Uncertain significance for Familial thoracic aortic aneurysm and aortic dissection. Last evaluated: 2021-04-16. Review status: criteria provided, single submitter. Criteria: Ambry Variant Classification Scheme 2023. Collection method: clinical testing. Allele origin: germline.
Comment: The p.R309H variant (also known as c.926G>A), located in coding exon 5 of the TGFB3 gene, results from a G to A substitution at nucleotide position 926. The arginine at codon 309 is replaced by histidine, an amino acid with highly similar properties. However, this change occurs in the last base pair of coding exon 5, which makes it likely to have some effect on normal mRNA splicing. This nucleotide position is well conserved in available vertebrate species. In silico splice site analysis predicts that this alteration will weaken the native splice donor site. This amino acid position is not well conserved in available vertebrate species. In addition, as a missense substitution this is predicted to be tolerated by in silico analysis. Since supporting evidence is limited at this time, the clinical significance of this alteration remains unclear.

GeneDx
Classification: Uncertain significance. Last evaluated: 2017-01-19. Review status: criteria provided, single submitter. Criteria: GeneDx Variant Classification (06012015). Collection method: clinical testing. Allele origin: germline. Affected: yes.
Comment: A variant of uncertain significance has been identified in the TGFB3 gene. The R309H variant has not been published as pathogenic or been reported as benign to our knowledge. This variant is not observed in large population cohorts (Lek et al., 2016; 1000 Genomes Consortium et al., 2015; Exome Variant Server). However, the R309H variant is a conservative amino acid substitution, which is not likely to impact secondary protein structure as these residues share similar properties. This substitution occurs at a position that is not conserved across species. Furthermore, in silico analysis is inconsistent in its predictions as to whether or not the variant is damaging to the protein structure/function.

Literature cited by the submitters: PubMed 38041506 (cited by Labcorp Genetics (formerly Invitae), Labcorp and Variantyx, Inc.); PubMed 17576681 (cited by Labcorp Genetics (formerly Invitae), Labcorp); PubMed 9536098 (cited by Labcorp Genetics (formerly Invitae), Labcorp).